The following is an entry in ClinVar:

NM_004177.5(STX3):c.740G>A (p.Arg247Gln)

Gene: STX3 (syntaxin 3; plus strand). Cytogenetic location: 11q12.1.
Variant type: single nucleotide variant.
Coding change: c.740G>A on transcript NM_004177.5 (MANE Select); coding-DNA position 740, G replaced by A.
Protein change: p.Arg247Gln; replaces arginine 247 with glutamine.
Molecular consequence: missense variant.
Genome position (GRCh38, 1-based): chr11:59,795,436, G>A. VCF-style: chr11-59795436-G-A. GRCh37 (hg19) VCF-style: chr11-59562909-G-A.
Other names: c.740G>A, p.Arg247Gln (NM_001178040.3); short protein forms R247Q.
Identifiers: ClinVar variation 1429171 (VCV001429171.3), dbSNP rs777474139, ClinGen allele CA6020996.
Genomic context (GRCh38, chr11:59,795,436, plus strand): 5'-AGATGTTAGATAACATAGAGTTGAATGTCATGCACACAGTGGACCACGTGGAGAAGGCAC[G>A]AGATGAAACGAAAAAAGCTGTGAAATACCAGAGTCAGGCCCGGAAGGTGAGACTCTCCTG-3'
Protein context (NP_004168.1, residues 237-257): MHTVDHVEKA[Arg247Gln]DETKKAVKYQ

ClinVar aggregate classification (germline): Uncertain significance (1 of 4 stars; one submission).

Allele frequency attached by ClinVar (database versions not stated): TOPMed below 0.00001; ExAC 0.00001; gnomAD 0.00001; gnomAD exomes 0.00001.
gnomAD v4.1: 10 of 1,613,456 alleles (0.00062%); highest among the groups gnomAD compares: South Asian, 0.0055%; no homozygotes.

Submission:

Labcorp Genetics (formerly Invitae), Labcorp
Classification: Uncertain significance. Last evaluated: 2021-10-02. Review status: criteria provided, single submitter. Criteria: Invitae Variant Classification Sherloc (09022015). Collection method: clinical testing. Allele origin: germline.
Comment: This sequence change replaces arginine with glutamine at codon 247 of the STX3 protein (p.Arg247Gln). The arginine residue is highly conserved and there is a small physicochemical difference between arginine and glutamine. This variant is present in population databases (rs777474139, ExAC 0.007%). This variant has not been reported in the literature in individuals affected with STX3-related conditions. Algorithms developed to predict the effect of missense changes on protein structure and function output the following: SIFT: "Tolerated"; PolyPhen-2: "Benign"; Align-GVGD: "Class C0". The glutamine amino acid residue is found in multiple mammalian species, which suggests that this missense change does not adversely affect protein function. In summary, the available evidence is currently insufficient to determine the role of this variant in disease. Therefore, it has been classified as a Variant of Uncertain Significance.